The following is an entry in ClinVar:

NM_000059.4(BRCA2):c.6141T>A (p.Tyr2047Ter)

Gene: BRCA2 (BRCA2 DNA repair associated; plus strand). Cytogenetic location: 13q13.1.
Variant type: single nucleotide variant.
Coding change: c.6141T>A on transcript NM_000059.4 (MANE Select); coding-DNA position 6141, T replaced by A.
Protein change: p.Tyr2047Ter; replaces tyrosine 2047 with a stop codon.
Molecular consequence: nonsense.
Genome position (GRCh38, 1-based): chr13:32,340,496, T>A. VCF-style: chr13-32340496-T-A. GRCh37 (hg19) VCF-style: chr13-32914633-T-A.
Other names: short protein forms Y2047*.
Identifiers: ClinVar variation 945325 (VCV000945325.12), dbSNP rs1466688245, ClinGen allele CA387788245.

ClinVar aggregate classification (germline): Pathogenic (1 of 4 stars; one submission).

Conditions:
Hereditary breast ovarian cancer syndrome. Also called: Hereditary breast and ovarian cancer syndrome (HBOC); Hereditary breast and ovarian cancer; Breast and ovarian cancer; BRCA1- and BRCA2-Associated Hereditary Breast and Ovarian Cancer; Hereditary breast and ovarian cancer syndrome; Hereditary breast and/or ovarian cancer syndrome. Identifiers: Orphanet 145, MedGen C0677776, MeSH D061325, MONDO:0003582. Disease mechanism: loss of function.

Submission:

Labcorp Genetics (formerly Invitae), Labcorp
Classification: Pathogenic for Hereditary breast ovarian cancer syndrome. Last evaluated: 2022-01-12. Review status: criteria provided, single submitter. Criteria: Invitae Variant Classification Sherloc (09022015). Collection method: clinical testing. Allele origin: germline.
Comment: ClinVar contains an entry for this variant (Variation ID: 945325). This premature translational stop signal has been observed in individual(s) with breast and/or ovarian cancer (PMID: 26852015). For these reasons, this variant has been classified as Pathogenic. This variant is not present in population databases (gnomAD no frequency). This sequence change creates a premature translational stop signal (p.Tyr2047*) in the BRCA2 gene. It is expected to result in an absent or disrupted protein product. Loss-of-function variants in BRCA2 are known to be pathogenic (PMID: 20104584).

Literature cited by the submitters: PubMed 26852015; PubMed 20104584.